The following is an entry in ClinVar:

NM_152383.5(DIS3L2):c.2088del (p.Leu695_Tyr696insTer)

Gene: DIS3L2 (DIS3 like 3'-5' exoribonuclease 2; plus strand). Cytogenetic location: 2q37.1.
Variant type: Deletion.
Coding change: c.2088del on transcript NM_152383.5 (MANE Select); coding-DNA position 2088, one base deleted (C; older notation c.2088delC).
Protein change: p.Leu695_Tyr696insTer.
Molecular consequence: nonsense. On other transcripts: non-coding transcript variant (2), intron variant (1).
Genome position (GRCh38, 1-based): chr2:232,333,917, C deleted. VCF-style (leftmost placement, unchanged base first): chr2-232333916-AC-A. GRCh37 (hg19) VCF-style: chr2-233198626-AC-A.
Other names: c.1582-9428del (NM_001257281.2).
Identifiers: ClinVar variation 939492 (VCV000939492.7), dbSNP rs1695851413, ClinGen allele CA1139657779.

ClinVar aggregate classification (germline): Pathogenic (1 of 4 stars; one submission).

Conditions:
Perlman syndrome (PRLMNS). Identifiers: Orphanet 2849, MedGen C0796113, MONDO:0009965, OMIM 267000.

Submission:

Labcorp Genetics (formerly Invitae), Labcorp
Classification: Pathogenic for Perlman syndrome. Last evaluated: 2019-05-20. Review status: criteria provided, single submitter. Criteria: Invitae Variant Classification Sherloc (09022015). Collection method: clinical testing. Allele origin: germline.
Comment: For these reasons, this variant has been classified as Pathogenic. Loss-of-function variants in DIS3L2 are known to be pathogenic (PMID: 22306653). This variant has not been reported in the literature in individuals with DIS3L2-related conditions. This variant is not present in population databases (ExAC no frequency). This sequence change creates a premature translational stop signal (p.Tyr696*) in the DIS3L2 gene. It is expected to result in an absent or disrupted protein product.

Literature cited by the submitters: PubMed 22306653.